The following is an entry in ClinVar:

NM_000263.4(NAGLU):c.1585A>G (p.Ile529Val)

Gene: NAGLU (N-acetyl-alpha-glucosaminidase; plus strand). Cytogenetic location: 17q21.2.
Variant type: single nucleotide variant.
Coding change: c.1585A>G on transcript NM_000263.4 (MANE Select); coding-DNA position 1585, A replaced by G.
Protein change: p.Ile529Val; replaces isoleucine 529 with valine.
Molecular consequence: missense variant.
Genome position (GRCh38, 1-based): chr17:42,543,591, A>G. VCF-style: chr17-42543591-A-G. GRCh37 (hg19) VCF-style: chr17-40695609-A-G.
Other names: c.1585A>G (NM_000263.3); short protein forms I529V.
Identifiers: ClinVar variation 1991693 (VCV001991693.4), dbSNP rs1042714332, ClinGen allele CA290780796.
Genomic context (GRCh38, chr17:42,543,591, plus strand): 5'-TGCAGGGGCCACAATCGTAGCCCGCTGGTCAGGCGGCCGTCCCTACAGATGAATACCAGC[A>G]TCTGGTACAACCGATCTGATGTGTTTGAGGCCTGGCGGCTGCTGCTCACATCTGCTCCCT-3'
Protein context (NP_000254.2, residues 519-539): RRPSLQMNTS[Ile529Val]WYNRSDVFEA

ClinVar aggregate classification (germline): Uncertain significance. Review status: criteria provided, multiple submitters, no conflicts (2 of 4 stars). 2 submissions from 2 submitters: Uncertain significance (2). Last evaluated 2025-09-13.

Conditions:
Mucopolysaccharidosis, MPS-III-B (MPS3B). Also called: N-ACETYL-ALPHA-D-GLUCOSAMINIDASE DEFICIENCY; NAGLU DEFICIENCY; SANFILIPPO SYNDROME B; MPS III B; Mucopolysaccharidosis type IIIB (Sanfilippo B); MPS IIIB (Sanfilippo Syndrome Type B). Identifiers: Orphanet 79270, MedGen C0086648, MONDO:0009656, OMIM 252920.
Charcot-Marie-Tooth disease axonal type 2V. Also called: CHARCOT-MARIE-TOOTH NEUROPATHY, TYPE 2V; CHARCOT-MARIE-TOOTH DISEASE, AXONAL, AUTOSOMAL DOMINANT, TYPE 2V. Identifiers: Orphanet 447964, MedGen C5569050, MONDO:0014665, OMIM 616491.

Submissions (2):

GeneDx
Classification: Uncertain significance. Last evaluated: 2025-09-13. Review status: criteria provided, single submitter. Criteria: GeneDx Variant Classification Process June 2021. Collection method: clinical testing. Allele origin: germline. Affected: yes.
Comment: Not observed at significant frequency in large population cohorts (gnomAD); In silico analysis suggests that this missense variant does not alter protein structure/function; Has not been previously published as pathogenic or benign to our knowledge

Labcorp Genetics (formerly Invitae), Labcorp
Classification: Uncertain significance for Charcot-Marie-Tooth disease axonal type 2V; Mucopolysaccharidosis, MPS-III-B. Last evaluated: 2023-06-05. Review status: criteria provided, single submitter. Criteria: Invitae Variant Classification Sherloc (09022015). Collection method: clinical testing. Allele origin: germline.
Comment: In summary, the available evidence is currently insufficient to determine the role of this variant in disease. Therefore, it has been classified as a Variant of Uncertain Significance. Algorithms developed to predict the effect of missense changes on protein structure and function output the following: SIFT: "Not Available"; PolyPhen-2: "Benign"; Align-GVGD: "Not Available". The valine amino acid residue is found in multiple mammalian species, which suggests that this missense change does not adversely affect protein function. ClinVar contains an entry for this variant (Variation ID: 1991693). This variant has not been reported in the literature in individuals affected with NAGLU-related conditions. This variant is not present in population databases (gnomAD no frequency). This sequence change replaces isoleucine, which is neutral and non-polar, with valine, which is neutral and non-polar, at codon 529 of the NAGLU protein (p.Ile529Val).